The following is an entry in ClinVar:

ClinVar aggregate classification (germline): Likely benign. Review status: criteria provided, multiple submitters, no conflicts (2 of 4 stars). 4 submissions from 4 submitters: Likely benign (4). Last evaluated 2025-05-17.

Conditions:
Intellectual disability. Also called: intellectual disabilities; Intellectual developmental disorder; Intellectual functioning disability. Identifiers: MedGen C3714756, MeSH D008607, MONDO:0001071, HP:0001249.

Allele frequency attached by ClinVar (database versions not stated): TOPMed 0.00003; gnomAD 0.00004; gnomAD exomes 0.00004 and 0.00006; ExAC 0.00006.
gnomAD v4.1: 68 of 1,613,992 alleles (0.0042%); highest among the groups gnomAD compares: Non-Finnish European, 0.0056%; no homozygotes.

Submissions (4):

Labcorp Genetics (formerly Invitae), Labcorp
Classification: Likely benign for Intellectual disability. Last evaluated: 2025-05-17. Review status: criteria provided, single submitter. Criteria: Invitae Variant Classification Sherloc (09022015). Collection method: clinical testing. Allele origin: germline.

Blueprint Genetics
Classification: Likely benign. Last evaluated: 2024-08-09. Review status: criteria provided, single submitter. Criteria: ACMG Guidelines, 2015. Collection method: clinical testing. Allele origin: germline.

CeGaT Center for Human Genetics Tuebingen
Classification: Likely benign. Last evaluated: 2023-05-01. Review status: criteria provided, single submitter. Criteria: CeGaT Center For Human Genetics Tuebingen Variant Classification Criteria Version 2. Collection method: clinical testing. Allele origin: germline. Affected: yes. Observed: 2 variant alleles.
Comment: GABRB2: BP4, BP7

GeneDx
Classification: Likely benign. Last evaluated: 2020-04-01. Review status: criteria provided, single submitter. Criteria: GeneDx Variant Classification Process June 2021. Collection method: clinical testing. Allele origin: germline. Affected: yes.

NM_001371727.1(GABRB2):c.357T>C (p.Asp119=)

Gene: GABRB2 (gamma-aminobutyric acid type A receptor subunit beta2; minus strand). Cytogenetic location: 5q34.
Variant type: single nucleotide variant.
Coding change: c.357T>C on transcript NM_001371727.1 (MANE Select); coding-DNA position 357, T replaced by C.
Protein change: p.Asp119=; no amino-acid change (aspartic acid 119 retained).
Molecular consequence: synonymous variant.
Genome position (GRCh38, 1-based): chr5:161,459,725, A>G on the plus strand (T>C on the coding strand, the complement: GABRB2 is on the minus strand). VCF-style: chr5-161459725-A-G. GRCh37 (hg19) VCF-style: chr5-160886731-A-G.
Other names: c.357T>C, p.Asp119= (NM_000813.3, NM_021911.3).
Identifiers: ClinVar variation 384749 (VCV000384749.46), dbSNP rs756503577, ClinGen allele CA3543613.